The following is an entry in ClinVar:

ClinVar aggregate classification (germline): Uncertain significance (1 of 4 stars; one submission).

Conditions:
Dilated cardiomyopathy 1JJ (CMD1JJ). Identifiers: Orphanet 154, MedGen C3808935, MONDO:0014095, OMIM 615235.

Allele frequency attached by ClinVar (database versions not stated): ExAC 0.00002.
gnomAD v4.1: 4 of 1,614,016 alleles (0.00025%); highest among the groups gnomAD compares: Admixed American, 0.005%; no homozygotes.

Submission:

Labcorp Genetics (formerly Invitae), Labcorp
Classification: Uncertain significance for Dilated cardiomyopathy 1JJ. Last evaluated: 2022-07-23. Review status: criteria provided, single submitter. Criteria: Invitae Variant Classification Sherloc (09022015). Collection method: clinical testing. Allele origin: germline.
Comment: In summary, the available evidence is currently insufficient to determine the role of this variant in disease. Therefore, it has been classified as a Variant of Uncertain Significance. Variants that disrupt the consensus splice site are a relatively common cause of aberrant splicing (PMID: 17576681, 9536098). Algorithms developed to predict the effect of sequence changes on RNA splicing suggest that this variant is not likely to affect RNA splicing. ClinVar contains an entry for this variant (Variation ID: 1407428). This variant has not been reported in the literature in individuals affected with LAMA4-related conditions. This variant is present in population databases (rs372706971, gnomAD 0.009%). This sequence change falls in intron 8 of the LAMA4 gene. It does not directly change the encoded amino acid sequence of the LAMA4 protein. It affects a nucleotide within the consensus splice site.

Literature cited by the submitters: PubMed 17576681; PubMed 9536098.

NM_001105206.3(LAMA4):c.966+4C>A

Gene: LAMA4 (laminin subunit alpha 4; minus strand). Cytogenetic location: 6q21.
Variant type: single nucleotide variant.
Coding change: c.966+4C>A on transcript NM_001105206.3 (MANE Select); 4 bases into the intron after coding-DNA position 966, C replaced by A.
Molecular consequence: intron variant.
Genome position (GRCh38, 1-based): chr6:112,187,446, G>T on the plus strand (C>A on the coding strand, the complement: LAMA4 is on the minus strand). VCF-style: chr6-112187446-G-T. GRCh37 (hg19) VCF-style: chr6-112508648-G-T.
Other names: c.945+4C>A (NM_002290.5, NM_001105207.3).
Identifiers: ClinVar variation 1407428 (VCV001407428.6), dbSNP rs372706971, ClinGen allele CA3965980.